The following is an entry in ClinVar:

NM_004360.5(CDH1):c.185G>T (p.Gly62Val)

Gene: CDH1 (cadherin 1; plus strand). Cytogenetic location: 16q22.1.
Variant type: single nucleotide variant.
Coding change: c.185G>T on transcript NM_004360.5 (MANE Select); coding-DNA position 185, G replaced by T.
Protein change: p.Gly62Val; replaces glycine 62 with valine.
Molecular consequence: missense variant. On other transcripts: 5 prime UTR variant (2).
Genome position (GRCh38, 1-based): chr16:68,801,691, G>T. VCF-style: chr16-68801691-G-T. GRCh37 (hg19) VCF-style: chr16-68835594-G-T.
Other names: c.185G>T, p.Gly62Val (NM_001317184.2); c.-1431G>T (NM_001317185.2); c.-1635G>T (NM_001317186.2); c.185G>T (LRG_301t1); short protein forms G62V.
Identifiers: ClinVar variation 187429 (VCV000187429.23), dbSNP rs786203727, ClinGen allele CA197629.
Genomic context (GRCh38, chr16:68,801,691, plus strand): 5'-CTGTCCAATTTCCTAATCTCTGTGATTTCTGCCCTGCAGTGAATTTTGAAGATTGCACCG[G>T]TCGACAAAGGACAGCCTATTTTTCCCTCGACACCCGATTCAAAGTGGGCACAGATGGTGT-3'
Protein context (NP_004351.1, residues 52-72): LGRVNFEDCT[Gly62Val]RQRTAYFSLD

ClinVar aggregate classification (germline): Uncertain significance. Review status: criteria provided, multiple submitters, no conflicts (2 of 4 stars). 6 submissions from 6 submitters: Uncertain significance (6). Last evaluated 2026-01-27.

Conditions:
Familial cancer of breast. Also called: BREAST CANCER, FAMILIAL; Hereditary breast cancer; hereditary breast carcinoma. Identifiers: Orphanet 227535, MedGen C0346153, MONDO:0016419, OMIM 114480. Disease mechanism: loss of function.
Ovarian cancer. Also called: OVARIAN CANCER, SOMATIC. Identifiers: Orphanet 213500, MedGen C1140680, MONDO:0008170, OMIM 167000.
Hereditary cancer-predisposing syndrome. Also called: Hereditary Cancer Syndrome; Neoplastic Syndromes, Hereditary; Tumor predisposition; Hereditary neoplastic syndrome. Identifiers: Orphanet 140162, MedGen C0027672, MeSH D009386, MONDO:0015356.
Hereditary diffuse gastric adenocarcinoma (HDGC). Also called: DIFFUSE GASTRIC AND LOBULAR BREAST CANCER SYNDROME. Identifiers: Orphanet 26106, MedGen C1708349, MONDO:0007648, OMIM 137215.

Allele frequency attached by ClinVar (database versions not stated): TOPMed below 0.00001; gnomAD 0.00001; gnomAD exomes 0.00004.
gnomAD v4.1: 27 of 1,613,872 alleles (0.0017%); highest among the groups gnomAD compares: East Asian, 0.058%; no homozygotes.

Submissions (6):

Labcorp Genetics (formerly Invitae), Labcorp
Classification: Uncertain significance for Hereditary diffuse gastric adenocarcinoma. Last evaluated: 2026-01-27. Review status: criteria provided, single submitter. Criteria: Invitae Variant Classification Sherloc (09022015). Collection method: clinical testing. Allele origin: germline.
Comment: This sequence change replaces glycine, which is neutral and non-polar, with valine, which is neutral and non-polar, at codon 62 of the CDH1 protein (p.Gly62Val). This variant is not present in population databases (gnomAD no frequency). This missense change has been observed in individuals with diffuse gastric cancer and/or intestinal gastric cancer (PMID: 10357799, 25180051, 30745422, 32426482). ClinVar contains an entry for this variant (Variation ID: 187429). An algorithm developed to predict the effect of missense changes on protein structure and function (PolyPhen-2) suggests that this variant is likely to be disruptive. In summary, the available evidence is currently insufficient to determine the role of this variant in disease. Therefore, it has been classified as a Variant of Uncertain Significance.

Ambry Genetics
Classification: Uncertain significance for Hereditary cancer-predisposing syndrome. Last evaluated: 2025-09-19. Review status: criteria provided, single submitter. Criteria: Ambry Variant Classification Scheme 2023. Collection method: clinical testing. Allele origin: germline.
Comment: The p.G62V variant (also known as c.185G>T), located in coding exon 3 of the CDH1 gene, results from a G to T substitution at nucleotide position 185. The glycine at codon 62 is replaced by valine, an amino acid with dissimilar properties. Further, testing of tumor cells for the father revealed negative immunoreactivity to the E-cadherin protein (Moreira-Nunes CA et al, Hered Cancer Clin Pract 2014 ; 12(1):18). This alteration was observed in 14/7051 unselected female breast cancer patients; however it was also observed in 48/11241 female controls and 43/12490 male controls of Japanese ancestry (Momozawa Y et al. Nat Commun, 2018 10;9:4083). This amino acid position is well conserved in available vertebrate species. In addition, the in silico prediction for this alteration is inconclusive. Since supporting evidence is limited at this time, the clinical significance of this alteration remains unclear.

Women's Health and Genetics/Laboratory Corporation of America, LabCorp
Classification: Uncertain significance. Last evaluated: 2025-07-25. Review status: criteria provided, single submitter. Criteria: LabCorp Variant Classification Summary - May 2015. Collection method: clinical testing. Allele origin: germline.
Comment: Variant summary: CDH1 c.185G>T (p.Gly62Val) results in a non-conservative amino acid change located in the Cadherin prodomain (IPR014868) of the encoded protein sequence. Algorithms developed to predict the effect of missense changes on protein structure and function are either unavailable or do not agree on the potential impact of this missense change. The variant allele was found at a frequency of 0.0005 in 376334 control chromosomes (exclusively in Japanese population, allele frequency 0.0015, Momozawa_2018 jMorp database). The observed variant frequency is approximately 17-fold of the estimated maximal expected allele frequency for a pathogenic variant in CDH1 causing Hereditary Diffuse Gastric Cancer phenotype (2.8e-05). c.185G>T has been observed in individual(s) affected with Hereditary Diffuse Gastric Cancer (Moreira-Nunes_2014). These data indicate that the variant may be associated with disease. To our knowledge, no experimental evidence demonstrating an impact on protein function has been reported. The following publications have been ascertained in the context of this evaluation (PMID: 19725995, 30287823, 25180051, 36243179, 10357799, 22470475). ClinVar contains an entry for this variant (Variation ID: 187429). Based on the evidence outlined above, the variant was classified as VUS-possibly benign.

Color Diagnostics, LLC DBA Color Health
Classification: Uncertain significance for Hereditary cancer-predisposing syndrome. Last evaluated: 2023-05-23. Review status: criteria provided, single submitter. Criteria: ACMG Guidelines, 2015. Collection method: clinical testing. Allele origin: germline.
Comment: This missense variant replaces glycine with valine at codon 62 of the CDH1 protein. To our knowledge, functional studies have not been reported for this variant. This variant has been reported in individuals affected with diffuse gastric cancer and breast cancer (PMID: 10357799, 25180051, 30287823, 32426482), but also in unaffected individuals (PMID: 30287823, 32426482). This variant has not been identified in the general population by the Genome Aggregation Database (gnomAD). The available evidence is insufficient to determine the role of this variant in disease conclusively. Therefore, this variant is classified as a Variant of Uncertain Significance.

GeneDx
Classification: Uncertain significance. Last evaluated: 2022-07-17. Review status: criteria provided, single submitter. Criteria: GeneDx Variant Classification Process June 2021. Collection method: clinical testing. Allele origin: germline. Affected: yes.
Comment: Not observed at significant frequency in large population cohorts (gnomAD); In silico analysis supports that this missense variant has a deleterious effect on protein structure/function; This variant is associated with the following publications: (PMID: 20373070, 16527687, 16787116, 22470475, 21777349, 15457549, 16501831, 12647996, 20233471, 10357799, 25180051, 22225527, 15235021, 32426482, 33809393, 30287823, 35685475)

Department of Pathology and Laboratory Medicine, Sinai Health System
Classification: Uncertain significance for Familial cancer of breast; Ovarian cancer. Last evaluated: 2022-06-13. Review status: criteria provided, single submitter. Criteria: ACMG Guidelines, 2015. Collection method: clinical testing. Allele origin: germline. Affected: yes.

Literature cited by the submitters: PubMed 10357799 (cited by 5 submitters); PubMed 25180051 (cited by 5 submitters); PubMed 30745422 (cited by Labcorp Genetics (formerly Invitae), Labcorp); PubMed 32426482 (cited by 3 submitters); PubMed 17545690 (cited by Ambry Genetics); PubMed 21777349 (cited by Ambry Genetics); PubMed 30287823 (cited by 3 submitters); PubMed 22470475 (cited by Women's Health and Genetics/Laboratory Corporation of America, LabCorp); PubMed 19725995 (cited by Women's Health and Genetics/Laboratory Corporation of America, LabCorp); PubMed 36243179 (cited by Women's Health and Genetics/Laboratory Corporation of America, LabCorp).